The following is an entry in ClinVar:

ClinVar aggregate classification (germline): Likely pathogenic (1 of 4 stars; one submission).

Conditions:
Developmental and epileptic encephalopathy, 35 (DEE35). Also called: Epileptic encephalopathy, early infantile, 35. Identifiers: Orphanet 457375, MedGen C4225256, MONDO:0014719, OMIM 616647.

Allele frequency attached by ClinVar (database versions not stated): TOPMed below 0.00001; gnomAD exomes 0.00001.
gnomAD v4.1: 12 of 1,613,972 alleles (0.00074%); highest among the groups gnomAD compares: Non-Finnish European, 0.00093%; no homozygotes.

Submission:

Victorian Clinical Genetics Services, Murdoch Childrens Research Institute
Classification: Likely pathogenic for Developmental and epileptic encephalopathy, 35. Last evaluated: 2023-12-21. Review status: criteria provided, single submitter. Criteria: ACMG Guidelines, 2015. Collection method: clinical testing. Allele origin: germline. Inheritance: Autosomal recessive inheritance. Affected: yes.
Comment: Based on the classification scheme VCGS_Germline_v1.3.4, this variant is classified as Likely Pathogenic. Following criteria are met: 0102 - Loss of function is a known mechanism of disease in this gene and is associated with developmental and epileptic encephalopathy 35 (MIM#616647). (I) 0106 - This gene is associated with autosomal recessive disease. (I) 0200 - Variant is predicted to result in a missense amino acid change from aspartic acid to tyrosine. (I) 0251 - This variant is heterozygous. (I) 0301 - Variant is absent from gnomAD (both v2 and v3). (SP) 0309 - An alternative amino acid change at the same position has been observed in gnomAD (v2) (5 heterozygotes, 0 homozygotes). (I) 0501 - Missense variant consistently predicted to be damaging by multiple in silico tools or highly conserved with a major amino acid change. (SP) 0600 - Variant is located in the annotated Ham1 family domain (DECIPHER). (I) 0710 - Another missense variant comparable to the one identified in this case has inconclusive previous evidence for pathogenicity. This alternative change (p.(Asp109Glu) has been reported once as a VUS (ClinVar). (I) 0807 - This variant has no previous evidence of pathogenicity. (I) 0905 - No published segregation evidence has been identified for this variant. (I) 1007 - No published functional evidence has been identified for this variant. (I) 1201 - Heterozygous variant detected in trans with a pathogenic heterozygous variant (p.(Gly123Serfs*104)) in a recessive disease. (SP) 1207 - Parental origin of the variant is unresolved. (I) Legend: (SP) - Supporting pathogenic, (I) - Information, (SB) - Supporting benign

NM_033453.4(ITPA):c.325G>T (p.Asp109Tyr)

Gene: ITPA (inosine triphosphatase; plus strand). Cytogenetic location: 20p13.
Variant type: single nucleotide variant.
Coding change: c.325G>T on transcript NM_033453.4 (MANE Select); coding-DNA position 325, G replaced by T.
Protein change: p.Asp109Tyr; replaces aspartic acid 109 with tyrosine.
Molecular consequence: missense variant. On other transcripts: 5 prime UTR variant (4), non-coding transcript variant (2).
Genome position (GRCh38, 1-based): chr20:3,218,546, G>T. VCF-style: chr20-3218546-G-T. GRCh37 (hg19) VCF-style: chr20-3199192-G-T.
Other names: c.202G>T, p.Asp68Tyr (NM_001267623.2); c.-13G>T (NM_001324236.2, NM_001324237.2, NM_001324238.2 and 1 more transcripts); c.325G>T, p.Asp109Tyr (NM_001324240.2, NM_001424408.1); c.451G>T, p.Asp151Tyr (NM_001424409.1); c.274G>T, p.Asp92Tyr (NM_181493.4); short protein forms D109Y, D151Y, D68Y, D92Y.
Identifiers: ClinVar variation 3255005 (VCV003255005.1), dbSNP rs2067370892.
Genomic context (GRCh38, chr20:3,218,546, plus strand): 5'-GATGCACTGAGCCCTCACTGCCCACCCGCAGGTCTCCACCAGCTCCTGGCCGGGTTCGAG[G>T]ACAAGTCAGCCTATGCGCTCTGCACGTTTGCACTCAGCACCGGGGACCCAAGCCAGCCCG-3'
Protein context (NP_258412.1, residues 99-119): GLHQLLAGFE[Asp109Tyr]KSAYALCTFA